The following is an entry in ClinVar:

NM_031407.7(HUWE1):c.10279G>C (p.Glu3427Gln)

Gene: HUWE1 (HECT, UBA and WWE domain containing E3 ubiquitin protein ligase 1; minus strand). Cytogenetic location: Xp11.22.
Variant type: single nucleotide variant.
Coding change: c.10279G>C on transcript NM_031407.7 (MANE Select); coding-DNA position 10279, G replaced by C.
Protein change: p.Glu3427Gln; replaces glutamic acid 3427 with glutamine.
Molecular consequence: missense variant.
Genome position (GRCh38, 1-based): chrX:53,548,030, C>G on the plus strand (G>C on the coding strand, the complement: HUWE1 is on the minus strand). VCF-style: chrX-53548030-C-G. GRCh37 (hg19) VCF-style: chrX-53574991-C-G.
Other names: c.10276G>C, p.Glu3426Gln (NM_001441048.1, NM_001441051.1, NM_001441053.1 and 2 more transcripts); c.10279G>C, p.Glu3427Gln (NM_001441049.1, NM_001441054.1, NM_001441057.1); c.10300G>C, p.Glu3434Gln (NM_001441050.1, NM_001441055.1); c.9877G>C, p.Glu3293Gln (NM_001441052.1); short protein forms E3293Q, E3426Q, E3427Q, E3434Q.
Identifiers: ClinVar variation 4685311 (VCV004685311.1).

ClinVar aggregate classification (germline): Uncertain significance (1 of 4 stars; one submission).

Submission:

GeneDx
Classification: Uncertain significance. Last evaluated: 2025-07-09. Review status: criteria provided, single submitter. Criteria: GeneDx Variant Classification Process June 2021. Collection method: clinical testing. Allele origin: germline. Affected: yes.
Comment: Has not been previously published as pathogenic or benign to our knowledge; Not observed at significant frequency in large population cohorts (gnomAD); In silico analysis suggests that this missense variant does not alter protein structure/function